The following is an entry in ClinVar:

ClinVar aggregate classification (germline): Uncertain significance (1 of 4 stars; one submission).

Conditions:
Early-infantile DEE. Also called: Early infantile epileptic encephalopathy with suppression bursts; Early infantile epileptic encephalopathy; Ohtahara syndrome. Identifiers: Orphanet 1934, MedGen C0393706, MONDO:0800491.

Submission:

Labcorp Genetics (formerly Invitae), Labcorp
Classification: Uncertain significance for Early-infantile DEE. Last evaluated: 2023-06-01. Review status: criteria provided, single submitter. Criteria: Invitae Variant Classification Sherloc (09022015). Collection method: clinical testing. Allele origin: germline.
Comment: Experimental studies and prediction algorithms are not available or were not evaluated, and the functional significance of this variant is currently unknown. ClinVar contains an entry for this variant (Variation ID: 648423). This variant has not been reported in the literature in individuals affected with KCNQ2-related conditions. This variant is not present in population databases (gnomAD no frequency). This variant, c.1729_1734dup, results in the insertion of 2 amino acid(s) of the KCNQ2 protein (p.Asp577_Met578dup), but otherwise preserves the integrity of the reading frame. In summary, the available evidence is currently insufficient to determine the role of this variant in disease. Therefore, it has been classified as a Variant of Uncertain Significance.

NM_172107.4(KCNQ2):c.1729_1734dup (p.Asp577_Met578dup)

Gene: KCNQ2 (potassium voltage-gated channel subfamily Q member 2; minus strand). Cytogenetic location: 20q13.33.
Variant type: Duplication.
Coding change: c.1729_1734dup on transcript NM_172107.4 (MANE Select); coding-DNA positions 1729 to 1734, 6 bases duplicated (GACATG; older notation c.1729_1734dupGACATG).
Protein change: p.Asp577_Met578dup.
Molecular consequence: inframe insertion.
Genome position (GRCh38, 1-based): chr20:63,413,479-63,413,484, CATGTC duplicated on the plus strand (GACATG on the coding strand, the reverse complement: KCNQ2 is on the minus strand); duplicating any 6 consecutive bases within chr20:63,413,479-63,413,486 gives the same sequence; the c. name uses the placement nearest the transcript's 3' end. VCF-style (leftmost placement, unchanged base first): chr20-63413478-G-GCATGTC. GRCh37 (hg19) VCF-style: chr20-62044831-G-GCATGTC.
Other names: c.1645_1650dup, p.Asp549_Met550dup (NM_004518.6); c.1675_1680dup, p.Asp559_Met560dup (NM_172106.3); c.1636_1641dup, p.Asp546_Met547dup (NM_172108.5).
Identifiers: ClinVar variation 648423 (VCV000648423.7), dbSNP rs1601566366, ClinGen allele CA915952964.